The following is an entry in ClinVar:

ClinVar aggregate classification (germline): Uncertain significance (1 of 4 stars; one submission).

Conditions:
Long QT syndrome (LQTS). Identifiers: MedGen C0023976, MeSH D008133, MONDO:0002442. Disease mechanism: loss of function. Inheritance: Various modes of inheritance.

Submission:

Labcorp Genetics (formerly Invitae), Labcorp
Classification: Uncertain significance for Long QT syndrome. Last evaluated: 2017-06-18. Review status: criteria provided, single submitter. Criteria: Invitae Variant Classification Sherloc (09022015). Collection method: clinical testing. Allele origin: germline.
Comment: This sequence change replaces alanine with valine at codon 2108 of the CACNA1C protein (p.Ala2108Val). The alanine residue is moderately conserved and there is a small physicochemical difference between alanine and valine. Algorithms developed to predict the effect of missense changes on protein structure and function output the following: SIFT: "Tolerated"; PolyPhen-2: "Benign"; Align-GVGD: "Class C0". The valine amino acid residue is found in multiple mammalian species, suggesting that this missense change does not adversely affect protein function. These predictions have not been confirmed by published functional studies and their clinical significance is uncertain. In summary, the available evidence is currently insufficient to determine the role of this variant in disease. Therefore, it has been classified as a Variant of Uncertain Significance. This variant has not been reported in the literature in individuals with CACNA1C-related disease. This variant is not present in population databases (ExAC no frequency).

NM_000719.7(CACNA1C):c.6323C>T (p.Ala2108Val)

Genes: CACNA1C (calcium voltage-gated channel subunit alpha1 C; plus strand), CACNA1C-AS1 (CACNA1C antisense RNA 1; minus strand). Cytogenetic location: 12p13.33.
Variant type: single nucleotide variant.
Coding change: c.6323C>T on transcript NM_000719.7 (MANE Select); coding-DNA position 6323, C replaced by T.
Protein change: p.Ala2108Val; replaces alanine 2108 with valine.
Molecular consequence: missense variant. On other transcripts: non-coding transcript variant (1).
Genome position (GRCh38, 1-based): chr12:2,691,105, C>T. VCF-style: chr12-2691105-C-T. GRCh37 (hg19) VCF-style: chr12-2800271-C-T.
Other names: c.6467C>T, p.Ala2156Val (NM_001129827.2); c.6446C>T, p.Ala2149Val (NM_001129829.2); c.6428C>T, p.Ala2143Val (NM_001129830.3, NM_001167624.3); c.6407C>T, p.Ala2136Val (NM_001129831.2); c.6383C>T, p.Ala2128Val (NM_001129832.2); c.6323C>T, p.Ala2108Val (NM_001129843.2, NM_001167623.2, NM_001129840.2 and 2 more transcripts); c.6314C>T, p.Ala2105Val (NM_001129844.2); c.6290C>T, p.Ala2097Val (NM_001129846.2); and 6 more; short protein forms A2143V, A2156V, A2108V, A2128V, A2149V, A2097V, A2105V, A2127V.
Identifiers: ClinVar variation 456997 (VCV000456997.9), dbSNP rs1453140106, ClinGen allele CA383387286.